The following is an entry in ClinVar:

NM_004153.4(ORC1):c.2231del (p.Gly744fs)

Gene: ORC1 (origin recognition complex subunit 1; minus strand). Cytogenetic location: 1p32.3.
Variant type: Deletion.
Coding change: c.2231del on transcript NM_004153.4 (MANE Select); coding-DNA position 2231, one base deleted (G; older notation c.2231delG).
Protein change: p.Gly744fs; shifts the reading frame from glycine 744.
Molecular consequence: frameshift variant.
Genome position (GRCh38, 1-based): chr1:52,375,502, C deleted on the plus strand (G on the coding strand, the reverse complement: ORC1 is on the minus strand); the first of 2 consecutive C bases (chr1:52,375,502-52,375,503); deleting either gives the same sequence. VCF-style (leftmost placement, unchanged base first): chr1-52375501-GC-G. GRCh37 (hg19) VCF-style: chr1-52841173-GC-G.
Other names: c.2231del, p.Gly744fs (NM_001190818.2); c.2216del, p.Gly739fs (NM_001190819.2); short protein forms G739fs, G744fs.
Identifiers: ClinVar variation 1069550 (VCV001069550.7), dbSNP rs1235656718, ClinGen allele CA736789217.
Genomic context (GRCh38, chr1:52,375,501, plus strand): 5'-GATGTATGATGATGAAAACATCTCATCCACAGCTTCCATTGAGTGGGCTATGGTGACCAG[GC>G]CAGGGGAGTCAGGCTTCTGCTGGGAGAACTCACAGATCTCTGTGGCACGCCTGCAGATGT-3'

ClinVar aggregate classification (germline): Pathogenic (1 of 4 stars; one submission).

Submission:

Labcorp Genetics (formerly Invitae), Labcorp
Classification: Pathogenic. Last evaluated: 2024-08-06. Review status: criteria provided, single submitter. Criteria: Invitae Variant Classification Sherloc (09022015). Collection method: clinical testing. Allele origin: germline.
Comment: This sequence change creates a premature translational stop signal (p.Gly744Alafs*5) in the ORC1 gene. It is expected to result in an absent or disrupted protein product. Loss-of-function variants in ORC1 are known to be pathogenic (PMID: 21358633). This variant is not present in population databases (gnomAD no frequency). This variant has not been reported in the literature in individuals affected with ORC1-related conditions. ClinVar contains an entry for this variant (Variation ID: 1069550). For these reasons, this variant has been classified as Pathogenic.

Literature cited by the submitters: PubMed 21358633.